The following is an entry in ClinVar:

ClinVar aggregate classification (germline): Uncertain significance (1 of 4 stars; one submission).

Conditions:
Epidermodysplasia verruciformis. Identifiers: Orphanet 302, MedGen C0014522, MONDO:0009176.

Allele frequency attached by ClinVar (database versions not stated): gnomAD 0.00008 and 0.00009; TOPMed 0.00009; gnomAD exomes 0.00010; ExAC 0.00014; 1000 Genomes Project 0.00020; 1000 Genomes Project 30x 0.00031.

Submission:

Labcorp Genetics (formerly Invitae), Labcorp
Classification: Uncertain significance for Epidermodysplasia verruciformis. Last evaluated: 2022-08-31. Review status: criteria provided, single submitter. Criteria: Invitae Variant Classification Sherloc (09022015). Collection method: clinical testing. Allele origin: germline.
Comment: This sequence change replaces threonine, which is neutral and polar, with methionine, which is neutral and non-polar, at codon 138 of the TMC6 protein (p.Thr138Met). The frequency data for this variant in the population databases is considered unreliable, as metrics indicate poor data quality at this position in the gnomAD database. This variant has not been reported in the literature in individuals affected with TMC6-related conditions. ClinVar contains an entry for this variant (Variation ID: 565842). Algorithms developed to predict the effect of missense changes on protein structure and function output the following: SIFT: "Not Available"; PolyPhen-2: "Benign"; Align-GVGD: "Not Available". The methionine amino acid residue is found in multiple mammalian species, which suggests that this missense change does not adversely affect protein function. In summary, the available evidence is currently insufficient to determine the role of this variant in disease. Therefore, it has been classified as a Variant of Uncertain Significance.

NM_001127198.5(TMC6):c.413C>T (p.Thr138Met)

Gene: TMC6 (transmembrane channel like 6; minus strand). Cytogenetic location: 17q25.3.
Variant type: single nucleotide variant.
Coding change: c.413C>T on transcript NM_001127198.5 (MANE Select); coding-DNA position 413, C replaced by T.
Protein change: p.Thr138Met; replaces threonine 138 with methionine.
Molecular consequence: missense variant. On other transcripts: non-coding transcript variant (4).
Genome position (GRCh38, 1-based): chr17:78,125,743, G>A on the plus strand (C>T on the coding strand, the complement: TMC6 is on the minus strand). VCF-style: chr17-78125743-G-A. GRCh37 (hg19) VCF-style: chr17-76121824-G-A.
Other names: c.413C>T, p.Thr138Met (NM_001321185.1, NM_001374593.1, NM_001374594.1 and 4 more transcripts); short protein forms T138M.
Identifiers: ClinVar variation 565842 (VCV000565842.9), dbSNP rs553985699, ClinGen allele CA8796139.